The following is an entry in ClinVar:

ClinVar aggregate classification (germline): Uncertain significance. Review status: criteria provided, multiple submitters, no conflicts (2 of 4 stars). 2 submissions from 2 submitters: Uncertain significance (2). Last evaluated 2025-04-04.

Conditions:
Inborn genetic diseases. Identifiers: MedGen C0950123, MeSH D030342.

Allele frequency attached by ClinVar (database versions not stated): ExAC 0.00001; TOPMed 0.00001; gnomAD 0.00002.
gnomAD v4.1: 3 of 1,613,806 alleles (0.00019%); highest among the groups gnomAD compares: African/African-American, 0.0027%; no homozygotes.

Submissions (2):

Ambry Genetics
Classification: Uncertain significance for Inborn genetic diseases. Last evaluated: 2025-04-04. Review status: criteria provided, single submitter. Criteria: Ambry Variant Classification Scheme 2023. Collection method: clinical testing. Allele origin: germline.

Labcorp Genetics (formerly Invitae), Labcorp
Classification: Uncertain significance. Last evaluated: 2024-02-17. Review status: criteria provided, single submitter. Criteria: Invitae Variant Classification Sherloc (09022015). Collection method: clinical testing. Allele origin: germline.
Comment: This sequence change replaces serine, which is neutral and polar, with proline, which is neutral and non-polar, at codon 48 of the EMC1 protein (p.Ser48Pro). This variant is not present in population databases (gnomAD no frequency). This variant has not been reported in the literature in individuals affected with EMC1-related conditions. ClinVar contains an entry for this variant (Variation ID: 2086180). Advanced modeling of protein sequence and biophysical properties (such as structural, functional, and spatial information, amino acid conservation, physicochemical variation, residue mobility, and thermodynamic stability) performed at Invitae indicates that this missense variant is not expected to disrupt EMC1 protein function with a negative predictive value of 80%. In summary, the available evidence is currently insufficient to determine the role of this variant in disease. Therefore, it has been classified as a Variant of Uncertain Significance.

NM_015047.3(EMC1):c.142T>C (p.Ser48Pro)

Gene: EMC1 (ER membrane protein complex subunit 1; minus strand). Cytogenetic location: 1p36.13.
Variant type: single nucleotide variant.
Coding change: c.142T>C on transcript NM_015047.3 (MANE Select); coding-DNA position 142, T replaced by C.
Protein change: p.Ser48Pro; replaces serine 48 with proline.
Molecular consequence: missense variant.
Genome position (GRCh38, 1-based): chr1:19,244,984, A>G on the plus strand (T>C on the coding strand, the complement: EMC1 is on the minus strand). VCF-style: chr1-19244984-A-G. GRCh37 (hg19) VCF-style: chr1-19571478-A-G.
Other names: c.142T>C (NM_015047.1); c.142T>C, p.Ser48Pro (NM_001271427.2, NM_001271428.2, NM_001271429.2 and 2 more transcripts); short protein forms S48P.
Identifiers: ClinVar variation 2086180 (VCV002086180.5), dbSNP rs756688114, ClinGen allele CA653041.